The following is an entry in ClinVar:

ClinVar aggregate classification (germline): Pathogenic (0 of 4 stars; one submission).

Conditions:
Pyruvate dehydrogenase E1-alpha deficiency (PDHAD). Also called: ATAXIA, INTERMITTENT, WITH PYRUVATE DEHYDROGENASE DEFICIENCY; ATAXIA WITH LACTIC ACIDOSIS I; ATAXIA, INTERMITTENT, WITH ABNORMAL PYRUVATE METABOLISM; Ataxia, intermittent, with pyruvate dehydrogenase, or decarboxylase, deficiency. Identifiers: Orphanet 79243, MedGen C1839413, MONDO:0010717, OMIM 312170.

Submission:

PDHA1 Study Group, University Children’s Hospital, Paracelsus Medical University
Classification: Pathogenic for Pyruvate dehydrogenase E1-alpha deficiency. Last evaluated: 2024-10-15. Review status: no assertion criteria provided. Collection method: research. Allele origin: germline. Affected: yes. Observed: 1 variant allele.
Comment: The NM_000284.3:c.875A>T (p.His292Leu) substitution is a missense variant in PDHA1 gene. The variant has been reported in 1 published case (PMIDs: 8504306). Last literature search: July 12, 2024. This variant is absent or extremely rare in population-based cohorts in the Genome Aggregation Database (gnomAD). Individuals harboring this variant presented with clinical features compatible with PDHA1-related PDHc deficiency. In summary, this variant meets criteria to be classified as pathogenic (P) for PDHA1-related PDHc deficiency based on the ACMG/AMP criteria applied: PS3, PM1, PM2, PM7, PP3 (last assessment October 15, 2024).

Literature cited by the submitters: PubMed 8504306; DOI 10.1093/brain/awaf430.

NM_000284.4(PDHA1):c.875A>T (p.His292Leu)

Gene: PDHA1 (pyruvate dehydrogenase E1 subunit alpha 1; plus strand). Cytogenetic location: Xp22.12.
Variant type: single nucleotide variant.
Coding change: c.875A>T on transcript NM_000284.4 (MANE Select); coding-DNA position 875, A replaced by T.
Protein change: p.His292Leu; replaces histidine 292 with leucine.
Molecular consequence: missense variant.
Genome position (GRCh38, 1-based): chrX:19,357,695, A>T. VCF-style: chrX-19357695-A-T. GRCh37 (hg19) VCF-style: chrX-19375813-A-T.
Other names: c.989A>T, p.His330Leu (NM_001173454.2); c.896A>T, p.His299Leu (NM_001173455.2); c.782A>T, p.His261Leu (NM_001173456.2); short protein forms H261L, H292L, H299L, H330L.
Identifiers: ClinVar variation 4070380 (VCV004070380.1).